The following is an entry in ClinVar:

NM_001374623.1(PNPLA1):c.496C>T (p.Arg166Cys)

Gene: PNPLA1 (patatin like domain 1, omega-hydroxyceramide transacylase; plus strand). Cytogenetic location: 6p21.31.
Variant type: single nucleotide variant.
Coding change: c.496C>T on transcript NM_001374623.1 (MANE Select); coding-DNA position 496, C replaced by T.
Protein change: p.Arg166Cys; replaces arginine 166 with cysteine.
Molecular consequence: missense variant.
Genome position (GRCh38, 1-based): chr6:36,293,118, C>T. VCF-style: chr6-36293118-C-T. GRCh37 (hg19) VCF-style: chr6-36260895-C-T.
Other names: c.211C>T, p.Arg71Cys (NM_001145716.2, NM_173676.2); c.496C>T, p.Arg166Cys (NM_001145717.1); short protein forms R166C, R71C.
Identifiers: ClinVar variation 1332876 (VCV001332876.9), dbSNP rs372072356, ClinGen allele CA3777727.

ClinVar aggregate classification (germline): Conflicting classifications of pathogenicity. Review status: criteria provided, conflicting classifications (1 of 4 stars). 5 submissions from 5 submitters: Likely pathogenic (1); Uncertain significance (3). 1 of the submissions does not count toward it. Last evaluated 2023-09-08.

Conditions:
Autosomal recessive congenital ichthyosis 10 (ARCI10). Identifiers: Orphanet 79394, MedGen C3554355, MONDO:0014011, OMIM 615024.
PNPLA1-related disorder. Also called: PNPLA1-related condition.

Allele frequency attached by ClinVar (database versions not stated): ESP Exome Variant Server 0.00023; gnomAD 0.00001; gnomAD exomes 0.00002; 1000 Genomes Project 30x 0.00016; 1000 Genomes Project 0.00020; ExAC 0.00005.

Submissions (5):

Labcorp Genetics (formerly Invitae), Labcorp
Classification: Uncertain significance. Last evaluated: 2023-09-08. Review status: criteria provided, single submitter. Criteria: Invitae Variant Classification Sherloc (09022015). Collection method: clinical testing. Allele origin: germline.
Comment: In summary, the available evidence is currently insufficient to determine the role of this variant in disease. Therefore, it has been classified as a Variant of Uncertain Significance. Experimental studies have shown that this missense change affects PNPLA1 function (PMID: 35970721). An algorithm developed to predict the effect of missense changes on protein structure and function (PolyPhen-2) suggests that this variant is likely to be disruptive. ClinVar contains an entry for this variant (Variation ID: 1332876). This missense change has been observed in individual(s) with autosomal recessive congenital ichthyosis (PMID: 28093717). This variant is present in population databases (rs372072356, gnomAD 0.006%). This sequence change replaces arginine, which is basic and polar, with cysteine, which is neutral and slightly polar, at codon 166 of the PNPLA1 protein (p.Arg166Cys).

Neuberg Centre For Genomic Medicine, NCGM
Classification: Likely pathogenic for Autosomal recessive congenital ichthyosis 10. Last evaluated: 2023-05-20. Review status: criteria provided, single submitter. Criteria: ACMG Guidelines, 2015. Collection method: clinical testing. Allele origin: germline. Inheritance: Autosomal recessive inheritance. Affected: yes.
Comment: The observed missense c.496C>T(p.Arg166Cys) variant in PNPLA1 gene has been reported previously in homozygous state in individual(s) affected with congenital ichthyosis (Zimmer AD, et al., 2017). The p.Arg166Cys variant has been reported with allele frequency of 0.002% in gnomAD Exomes. This variant has been reported to the ClinVar database as Pathogenic. Multiple lines of computational evidences (Polyphen - Probably damaging, SIFT - Damaging and MutationTaster - Disease causing) predict a damaging effect on protein structure and function for this variant. The amino acid change p.Arg166Cys in PNPLA1 is predicted as conserved by GERP++ and PhyloP across 100 vertebrates. The amino acid Arg at position 166 is changed to a Cys changing protein sequence and it might alter its composition and physico-chemical properties. However, additional functional studies will be required to prove the pathogenicity of this variant. For these reasons, this variant has been classified as Likely Pathogenic.

PreventionGenetics, part of Exact Sciences
Classification: Uncertain significance for PNPLA1-related condition. Last evaluated: 2023-03-21. Review status: criteria provided, single submitter. Criteria: ACMG Guidelines, 2015. Collection method: clinical testing. Allele origin: germline.
Comment: The PNPLA1 c.496C>T variant is predicted to result in the amino acid substitution p.Arg166Cys. This variant has been previously reported in the homozygous state in an individual with autosomal recessive congenital ichthyosis (Zimmer et al. 2018. PubMed ID: 28093717). This variant is reported in 0.0065% of alleles in individuals of South Asian descent in gnomAD. . At this time, the clinical significance of this variant is uncertain due to the absence of conclusive functional and genetic evidence.

Women's Health and Genetics/Laboratory Corporation of America, LabCorp
Classification: Uncertain significance. Last evaluated: 2023-03-03. Review status: criteria provided, single submitter. Criteria: LabCorp Variant Classification Summary - May 2015. Collection method: clinical testing. Allele origin: germline.
Comment: Variant summary: PNPLA1 c.496C>T (p.Arg166Cys) results in a non-conservative amino acid change located in the Patatin-like phospholipase domain (IPR002641) of the encoded protein sequence. Five of five in-silico tools predict a damaging effect of the variant on protein function. The variant allele was found at a frequency of 2.4e-05 in 251306 control chromosomes (gnomAD). c.496C>T has been reported in the literature in at least one homozygous individual affected with Lamellar Ichthyosis (Zimmer_2017). These data indicate that the variant may be associated with disease. To our knowledge, no experimental evidence demonstrating an impact on protein function has been reported. ClinVar submitter (evaluation after 2014) cites this variant as pathogenic. Based on the evidence outlined above, the variant was classified as VUS-possibly pathogenic.

Kamineni Academy of Medical Sciences & Research Centre, Kamineni Hospitals
Classification: Pathogenic for Autosomal recessive congenital ichthyosis 10. Last evaluated: 2021-07-19. Review status: no assertion criteria provided. Collection method: clinical testing. Allele origin: germline. Inheritance: Autosomal recessive inheritance. Affected: yes. Observed: 1 homozygote. Not counted in ClinVar's aggregate classification.

Literature cited by the submitters: PubMed 35970721 (cited by Labcorp Genetics (formerly Invitae), Labcorp); PubMed 28093717 (cited by Labcorp Genetics (formerly Invitae), Labcorp and Women's Health and Genetics/Laboratory Corporation of America, LabCorp); PubMed 34899144 (cited by Women's Health and Genetics/Laboratory Corporation of America, LabCorp); PubMed 29624231 (cited by Women's Health and Genetics/Laboratory Corporation of America, LabCorp); PubMed 31120544 (cited by Women's Health and Genetics/Laboratory Corporation of America, LabCorp); PubMed 30290227 (cited by Women's Health and Genetics/Laboratory Corporation of America, LabCorp); PubMed 35893253 (cited by Women's Health and Genetics/Laboratory Corporation of America, LabCorp).